The following is an entry in ClinVar:

NM_006265.3(RAD21):c.275-3_275-2dup

Gene: RAD21 (RAD21 cohesin complex component; minus strand). Cytogenetic location: 8q24.11.
Variant type: Duplication.
Coding change: c.275-3_275-2dup on transcript NM_006265.3 (MANE Select); 3 bases into the intron before coding-DNA position 275 through the canonical splice acceptor site of the intron before coding-DNA position 275, 2 bases duplicated (TA; older notation c.275-3_275-2dupTA).
Molecular consequence: splice acceptor variant.
Genome position (GRCh38, 1-based): chr8:116,861,942-116,861,943, TA duplicated on the plus strand (TA on the coding strand, the reverse complement: RAD21 is on the minus strand). VCF-style (leftmost placement, unchanged base first): chr8-116861941-C-CTA. GRCh37 (hg19) VCF-style: chr8-117874180-C-CTA.
Identifiers: ClinVar variation 3646860 (VCV003646860.2).
Genomic context (GRCh38, chr8:116,861,941, plus strand): 5'-CAGGTAAAGTAATGGCATTATAAGCTGCTTCCCGATTTTCCTCAGGCAGGTCAACCACAC[C>CTA]TAGAAAAGAAATGCTAAGCTTAAATATCTAGCTACCCATAAATTATCTAGGGATCAGAGG-3'

ClinVar aggregate classification (germline): Uncertain significance (1 of 4 stars; one submission).

Conditions:
Cornelia de Lange syndrome 4 (CDLS4). Also called: RAD21-Related Cornelia de Lange Syndrome; CORNELIA DE LANGE SYNDROME 4 WITH OR WITHOUT MIDLINE BRAIN DEFECTS. Identifiers: Orphanet 199, MedGen C3553517, MONDO:0013864, OMIM 614701.

Submission:

Labcorp Genetics (formerly Invitae), Labcorp
Classification: Uncertain significance for Cornelia de Lange syndrome 4. Last evaluated: 2025-05-02. Review status: criteria provided, single submitter. Criteria: Invitae Variant Classification Sherloc (09022015). Collection method: clinical testing. Allele origin: germline.
Comment: This sequence change falls in intron 3 of the RAD21 gene. It does not directly change the encoded amino acid sequence of the RAD21 protein. This variant is not present in population databases (gnomAD no frequency). This variant has not been reported in the literature in individuals affected with RAD21-related conditions. ClinVar contains an entry for this variant (Variation ID: 3646860). Experimental studies and prediction algorithms are not available or were not evaluated, and the effect of this variant on mRNA splicing is currently unknown. In summary, the available evidence is currently insufficient to determine the role of this variant in disease. Therefore, it has been classified as a Variant of Uncertain Significance.